The following is an entry in ClinVar:

ClinVar aggregate classification (germline): Uncertain significance (1 of 4 stars; one submission).

Conditions:
Combined immunodeficiency due to DOCK8 deficiency (HIES2). Also called: HIES autosomal recessive; Hyper-IgE recurrent infection syndrome, autosomal recessive; HYPER-IgE RECURRENT INFECTION SYNDROME 2, AUTOSOMAL RECESSIVE; DOCK8 Deficiency; HYPER-IgE SYNDROME 2, AUTOSOMAL RECESSIVE, WITH RECURRENT INFECTIONS. Identifiers: Orphanet 217390, MedGen C4722305, MONDO:0009478, OMIM 243700.

Allele frequency attached by ClinVar (database versions not stated): gnomAD exomes below 0.00001.
gnomAD v4.1: 1 of 1,614,116 alleles (0.000062%); highest among the groups gnomAD compares: Non-Finnish European, 0.000085%; no homozygotes.

Submission:

Labcorp Genetics (formerly Invitae), Labcorp
Classification: Uncertain significance for Combined immunodeficiency due to DOCK8 deficiency. Last evaluated: 2018-12-18. Review status: criteria provided, single submitter. Criteria: Invitae Variant Classification Sherloc (09022015). Collection method: clinical testing. Allele origin: germline.
Comment: In summary, the available evidence is currently insufficient to determine the role of this variant in disease. Therefore, it has been classified as a Variant of Uncertain Significance. Algorithms developed to predict the effect of missense changes on protein structure and function are either unavailable or do not agree on the potential impact of this missense change (SIFT: "Deleterious"; PolyPhen-2: "Benign"; Align-GVGD: "Class C0"). This variant has not been reported in the literature in individuals with DOCK8-related conditions. This variant is not present in population databases (ExAC no frequency). This sequence change replaces glutamine with histidine at codon 1588 of the DOCK8 protein (p.Gln1588His). The glutamine residue is moderately conserved and there is a small physicochemical difference between glutamine and histidine.

NM_203447.4(DOCK8):c.4764G>C (p.Gln1588His)

Gene: DOCK8 (dedicator of cytokinesis 8; plus strand). Cytogenetic location: 9p24.3.
Variant type: single nucleotide variant.
Coding change: c.4764G>C on transcript NM_203447.4 (MANE Select); coding-DNA position 4764, G replaced by C.
Protein change: p.Gln1588His; replaces glutamine 1588 with histidine.
Molecular consequence: missense variant.
Genome position (GRCh38, 1-based): chr9:432,303, G>C. VCF-style: chr9-432303-G-C. GRCh37 (hg19) VCF-style: chr9-432303-G-C.
Other names: c.4464G>C, p.Gln1488His (NM_001190458.2); c.4560G>C, p.Gln1520His (NM_001193536.2); short protein forms Q1488H, Q1588H, Q1520H.
Identifiers: ClinVar variation 661415 (VCV000661415.9), dbSNP rs1587021797, ClinGen allele CA372766874.